The following is an entry in ClinVar:

ClinVar aggregate classification (germline): Benign/Likely benign. Review status: criteria provided, multiple submitters, no conflicts (2 of 4 stars). 3 submissions from 3 submitters: Benign (1); Likely benign (2). Last evaluated 2026-09-22.

Conditions:
Colorectal cancer. Also called: Malignant Colorectal Neoplasm; Colorectal cancer, somatic. Identifiers: MedGen C0346629, MONDO:0005575, OMIM 114500.
Endometrial carcinoma. Also called: Endometrial carcinoma, somatic. Identifiers: MedGen C0476089, MONDO:0002447, OMIM 608089, HP:0012114.
Colorectal cancer, hereditary nonpolyposis, type 7. Identifiers: Orphanet 144, MedGen C1858380, MONDO:0013725, OMIM 614385.

Allele frequency attached by ClinVar (database versions not stated): gnomAD exomes below 0.00001.
gnomAD v4.1: 1 of 1,614,056 alleles (0.000062%); highest among the groups gnomAD compares: Non-Finnish European, 0.000085%; no homozygotes.

Submissions (3):

Myriad Genetics, Inc.
Classification: Benign for Colorectal cancer, hereditary nonpolyposis, type 7. Last evaluated: 2026-09-22. Review status: criteria provided, single submitter. Criteria: Myriad Autosomal Dominant, Autosomal Recessive and X-Linked Classification Criteria (2023). Collection method: clinical testing. Allele origin: unknown.
Comment: This variant is considered benign. This variant is a silent/synonymous amino acid change and it is not expected to impact splicing.

Department of Pathology and Laboratory Medicine, Sinai Health System
Classification: Likely benign for Colorectal cancer; Endometrial carcinoma; Colorectal cancer, hereditary nonpolyposis, type 7. Last evaluated: 2022-09-16. Review status: criteria provided, single submitter. Criteria: ACMG Guidelines, 2015. Collection method: clinical testing. Allele origin: germline. Affected: yes.

Ambry Genetics
Classification: Likely benign. Last evaluated: 2021-04-18. Review status: criteria provided, single submitter. Criteria: Ambry Variant Classification Scheme 2023. Collection method: clinical testing. Allele origin: germline.

NM_001040108.2(MLH3):c.2076A>G (p.Thr692=)

Gene: MLH3 (mutL homolog 3; minus strand). Cytogenetic location: 14q24.3.
Variant type: single nucleotide variant.
Coding change: c.2076A>G on transcript NM_001040108.2 (MANE Select); coding-DNA position 2076, A replaced by G.
Protein change: p.Thr692=; no amino-acid change (threonine 692 retained).
Molecular consequence: synonymous variant.
Genome position (GRCh38, 1-based): chr14:75,047,580, T>C on the plus strand (A>G on the coding strand, the complement: MLH3 is on the minus strand). VCF-style: chr14-75047580-T-C. GRCh37 (hg19) VCF-style: chr14-75514283-T-C.
Other names: c.2076A>G, p.Thr692= (NM_014381.3).
Identifiers: ClinVar variation 1785456 (VCV001785456.4), dbSNP rs1892338323, ClinGen allele CA487273136.